The following is an entry in ClinVar:

NM_002087.4(GRN):c.347C>A (p.Ser116Ter)

Gene: GRN (granulin precursor; plus strand). Cytogenetic location: 17q21.31.
Variant type: single nucleotide variant.
Coding change: c.347C>A on transcript NM_002087.4 (MANE Select); coding-DNA position 347, C replaced by A.
Protein change: p.Ser116Ter; replaces serine 116 with a stop codon.
Molecular consequence: nonsense.
Genome position (GRCh38, 1-based): chr17:44,349,749, C>A. VCF-style: chr17-44349749-C-A. GRCh37 (hg19) VCF-style: chr17-42427117-C-A.
Other names: short protein forms S116*.
Identifiers: ClinVar variation 2633502 (VCV002633502.1), dbSNP rs2510054791, ClinGen allele CA399760724.
Genomic context (GRCh38, chr17:44,349,749, plus strand): 5'-ATCACTGCTGCCCACGGGGCTTCCACTGCAGTGCAGACGGGCGATCCTGCTTCCAAAGAT[C>A]AGGTGCAGCTGGGGTGTGGGTGCAGGGCAGGCAGACGGGCAGCATGTGGAGTCTGGAACC-3'

ClinVar aggregate classification (germline): Pathogenic (1 of 4 stars; one submission).

Conditions:
GRN-related disorder. Also called: GRN-related condition; GRN-related disorders.

Submission:

PreventionGenetics, part of Exact Sciences
Classification: Pathogenic for GRN-related condition. Last evaluated: 2023-03-13. Review status: criteria provided, single submitter. Criteria: ACMG Guidelines, 2015. Collection method: clinical testing. Allele origin: germline.
Comment: The GRN c.347C>A variant is predicted to result in premature protein termination (p.Ser116*). This variant was reported in an individual with frontotemporal dementia (Yu et al. 2010. PubMed ID: 20142524). This variant has not been reported in a large population database, indicating this variant is rare. Nonsense variants in GRN are expected to be pathogenic. This variant is interpreted as pathogenic.